The following is an entry in ClinVar:

ClinVar aggregate classification (germline): Uncertain significance. Review status: criteria provided, multiple submitters, no conflicts (2 of 4 stars). 2 submissions from 2 submitters: Uncertain significance (2). Last evaluated 2022-05-11.

Allele frequency attached by ClinVar (database versions not stated): gnomAD 0.00001; gnomAD exomes 0.00001 and 0.00002; TOPMed 0.00001; ExAC 0.00002.
gnomAD v4.1: 11 of 1,611,652 alleles (0.00068%); highest among the groups gnomAD compares: Middle Eastern, 0.033%; no homozygotes.

Submissions (2):

Ambry Genetics
Classification: Uncertain significance. Last evaluated: 2022-05-11. Review status: criteria provided, single submitter. Criteria: Ambry Variant Classification Scheme 2023. Collection method: clinical testing. Allele origin: germline.

Labcorp Genetics (formerly Invitae), Labcorp
Classification: Uncertain significance. Last evaluated: 2021-09-15. Review status: criteria provided, single submitter. Criteria: Invitae Variant Classification Sherloc (09022015). Collection method: clinical testing. Allele origin: germline.
Comment: In summary, the available evidence is currently insufficient to determine the role of this variant in disease. Therefore, it has been classified as a Variant of Uncertain Significance. Algorithms developed to predict the effect of missense changes on protein structure and function are either unavailable or do not agree on the potential impact of this missense change (SIFT: "Deleterious"; PolyPhen-2: "Probably Damaging"; Align-GVGD: "Class C0"). This variant has not been reported in the literature in individuals affected with SAMD11-related conditions. This variant is present in population databases (rs755823919, ExAC 0.006%). This sequence change replaces lysine with glutamic acid at codon 542 of the SAMD11 protein (p.Lys542Glu). The lysine residue is highly conserved and there is a small physicochemical difference between lysine and glutamic acid.

NM_001385641.1(SAMD11):c.2113A>G (p.Lys705Glu)

Genes: SAMD11 (sterile alpha motif domain containing 11; plus strand), LOC129929063 (ATAC-STARR-seq lymphoblastoid active region 4; plus strand). Cytogenetic location: 1p36.33.
Variant type: single nucleotide variant.
Coding change: c.2113A>G on transcript NM_001385641.1 (MANE Select); coding-DNA position 2113, A replaced by G.
Protein change: p.Lys705Glu; replaces lysine 705 with glutamic acid.
Molecular consequence: missense variant.
Genome position (GRCh38, 1-based): chr1:943,312, A>G. VCF-style: chr1-943312-A-G. GRCh37 (hg19) VCF-style: chr1-878692-A-G.
Other names: c.2116A>G, p.Lys706Glu (NM_001385640.1); c.1624A>G, p.Lys542Glu (NM_152486.4); c.1624A>G (NM_152486.2); short protein forms K542E, K705E, K706E.
Identifiers: ClinVar variation 1011134 (VCV001011134.10), dbSNP rs755823919, ClinGen allele CA503153.